The following is an entry in ClinVar:

ClinVar aggregate classification (germline): Uncertain significance. Review status: criteria provided, multiple submitters, no conflicts (2 of 4 stars). 2 submissions from 2 submitters: Uncertain significance (2). Last evaluated 2025-07-18.

Conditions:
Hereditary cancer-predisposing syndrome. Also called: Hereditary neoplastic syndrome; Tumor predisposition; Neoplastic Syndromes, Hereditary; Hereditary Cancer Syndrome. Identifiers: Orphanet 140162, MedGen C0027672, MeSH D009386, MONDO:0015356.
BAP1-related tumor predisposition syndrome (TPDS1). Also called: BAP1 tumor predisposition syndrome; Tumor susceptibility linked to germline BAP1 mutations; COMMON Syndrome; TUMOR PREDISPOSITION SYNDROME 1. Identifiers: Orphanet 289539, MedGen C3280492, MONDO:0013692, OMIM 614327.

gnomAD v4.1: 5 of 1,614,074 alleles (0.00031%); highest among the groups gnomAD compares: East Asian, 0.011%; no homozygotes.

Submissions (2):

Ambry Genetics
Classification: Uncertain significance for Hereditary cancer-predisposing syndrome. Last evaluated: 2025-07-18. Review status: criteria provided, single submitter. Criteria: Ambry Variant Classification Scheme 2023. Collection method: clinical testing. Allele origin: germline.
Comment: The p.D434V variant (also known as c.1301A>T), located in coding exon 13 of the BAP1 gene, results from an A to T substitution at nucleotide position 1301. The aspartic acid at codon 434 is replaced by valine, an amino acid with highly dissimilar properties. This amino acid position is conserved. In addition, the in silico prediction for this alteration is inconclusive. Based on the available evidence, the clinical significance of this variant remains unclear.

Labcorp Genetics (formerly Invitae), Labcorp
Classification: Uncertain significance for BAP1-related tumor predisposition syndrome. Last evaluated: 2022-08-09. Review status: criteria provided, single submitter. Criteria: Invitae Variant Classification Sherloc (09022015). Collection method: clinical testing. Allele origin: germline.
Comment: In summary, the available evidence is currently insufficient to determine the role of this variant in disease. Therefore, it has been classified as a Variant of Uncertain Significance. Algorithms developed to predict the effect of missense changes on protein structure and function are either unavailable or do not agree on the potential impact of this missense change (SIFT: "Deleterious"; PolyPhen-2: "Benign"; Align-GVGD: "Class C0"). ClinVar contains an entry for this variant (Variation ID: 656947). This variant has not been reported in the literature in individuals affected with BAP1-related conditions. This variant is not present in population databases (gnomAD no frequency). This sequence change replaces aspartic acid, which is acidic and polar, with valine, which is neutral and non-polar, at codon 434 of the BAP1 protein (p.Asp434Val).

NM_004656.4(BAP1):c.1301A>T (p.Asp434Val)

Gene: BAP1 (BRCA1 associated deubiquitinase 1; minus strand). Cytogenetic location: 3p21.1.
Variant type: single nucleotide variant.
Coding change: c.1301A>T on transcript NM_004656.4 (MANE Select); coding-DNA position 1301, A replaced by T.
Protein change: p.Asp434Val; replaces aspartic acid 434 with valine.
Molecular consequence: missense variant.
Genome position (GRCh38, 1-based): chr3:52,403,844, T>A on the plus strand (A>T on the coding strand, the complement: BAP1 is on the minus strand). VCF-style: chr3-52403844-T-A. GRCh37 (hg19) VCF-style: chr3-52437860-T-A.
Other names: c.1301A>T (NM_004656.2); short protein forms D434V.
Identifiers: ClinVar variation 656947 (VCV000656947.7), dbSNP rs772437485, ClinGen allele CA353102247.
Genomic context (GRCh38, chr3:52,403,844, plus strand): 5'-TCTTTGAGCTTCTCAGCCAAGACGTTGATGGTGTTGGGCTGCAGCACTGACAGTTGCCCA[T>A]CAGCAGAACCGCTCAATGCCCCTGGCTTCCCTGTTCCCTTCCCCTTATACCTGTGGGGCC-3'
Protein context (NP_004647.1, residues 424-444): GKPGALSGSA[Asp434Val]GQLSVLQPNT